The following is an entry in ClinVar:

ClinVar aggregate classification (germline): Likely pathogenic (1 of 4 stars; one submission).

Submission:

GeneDx
Classification: Likely pathogenic. Last evaluated: 2017-07-27. Review status: criteria provided, single submitter. Criteria: GeneDx Variant Classification (06012015). Collection method: clinical testing. Allele origin: germline. Affected: yes.
Comment: A variant that is likely pathogenic has been identified in the GABRB3 gene. The L170R variant has been reported previously as a de novo variant in an individual with epilepsy and severe developmental delay (Zhang et al., 2015). The L170R variant is not observed in large population cohorts (Lek et al., 2016; 1000 Genomes Consortium et al., 2015; Exome Variant Server). The L170R variant is a non-conservative amino acid substitution, which is likely to impact secondary protein structure as these residues differ in polarity, charge, size and/or other properties. Additionally, this substitution occurs at a position that is conserved across species, and in silico analysis predicts this variant is probably damaging to the protein structure/function. Therefore, this variant is likely pathogenic; however, the possibility that it is benign cannot be excluded.

NM_000814.6(GABRB3):c.509T>G (p.Leu170Arg)

Gene: GABRB3 (gamma-aminobutyric acid type A receptor subunit beta3; minus strand). Cytogenetic location: 15q12.
Variant type: single nucleotide variant.
Coding change: c.509T>G on transcript NM_000814.6 (MANE Select); coding-DNA position 509, T replaced by G.
Protein change: p.Leu170Arg; replaces leucine 170 with arginine.
Molecular consequence: missense variant.
Genome position (GRCh38, 1-based): chr15:26,583,367, A>C on the plus strand (T>G on the coding strand, the complement: GABRB3 is on the minus strand). VCF-style: chr15-26583367-A-C. GRCh37 (hg19) VCF-style: chr15-26828514-A-C.
Other names: c.254T>G, p.Leu85Arg (NM_001191320.2, NM_001278631.2); c.296T>G, p.Leu99Arg (NM_001191321.3); c.509T>G, p.Leu170Arg (NM_021912.5); short protein forms L170R, L99R, L85R.
Identifiers: ClinVar variation 449695 (VCV000449695.1), dbSNP rs1555368626, ClinGen allele CA391458044.
Genomic context (GRCh38, chr15:26,583,367, plus strand): 5'-AAGAAACACAGATACGGATACACACAGCTTTCAATTTCCAGAGTGCAGTTCTGCTCGTCC[A>C]GGGGGTATCTCCTGAGGTCCATCATGCATGCTGCTGTCGTGGTGATTCTGAAATACACAG-3'
Protein context (NP_000805.1, residues 160-180): ACMMDLRRYP[Leu170Arg]DEQNCTLEIE